The following is an entry in ClinVar:

ClinVar aggregate classification (germline): Uncertain significance (1 of 4 stars; one submission).

Submission:

Labcorp Genetics (formerly Invitae), Labcorp
Classification: Uncertain significance. Last evaluated: 2024-07-30. Review status: criteria provided, single submitter. Criteria: Invitae Variant Classification Sherloc (09022015). Collection method: clinical testing. Allele origin: germline.
Comment: This sequence change results in a frameshift in the FGFR3 gene (p.Ala765Serfs*52). While this is not anticipated to result in nonsense mediated decay, it is expected to disrupt the last 42 amino acid(s) of the FGFR3 protein and extend the protein by 9 additional amino acid residues. This variant is not present in population databases (gnomAD no frequency). This variant has not been reported in the literature in individuals affected with FGFR3-related conditions. Algorithms developed to predict the effect of sequence changes on RNA splicing suggest that this variant may disrupt the consensus splice site. In summary, the available evidence is currently insufficient to determine the role of this variant in disease. Therefore, it has been classified as a Variant of Uncertain Significance.

NM_000142.5(FGFR3):c.2293_2302del (p.Ala765fs)

Gene: FGFR3 (fibroblast growth factor receptor 3; plus strand). Cytogenetic location: 4p16.3.
Variant type: Deletion.
Coding change: c.2293_2302del on transcript NM_000142.5 (MANE Select); coding-DNA positions 2293 to 2302, 10 bases deleted (GCGCCTTTCG; older notation c.2293_2302delGCGCCTTTCG).
Protein change: p.Ala765fs; shifts the reading frame from alanine 765.
Molecular consequence: frameshift variant. On other transcripts: non-coding transcript variant (1).
Genome position (GRCh38, 1-based): chr4:1,807,134-1,807,143, GCGCCTTTCG deleted; deleting any 10 consecutive bases within chr4:1,807,131-1,807,143 gives the same sequence; the c. name uses the placement nearest the transcript's 3' end. VCF-style (leftmost placement, unchanged base first): chr4-1807130-GTCGGCGCCTT-G. GRCh37 (hg19) VCF-style: chr4-1808857-GTCGGCGCCTT-G.
Other names: c.2299_2308del, p.Ala767fs (NM_001163213.2); c.2296_2305del, p.Ala766fs (NM_001354809.2); c.2225_2234del, p.Gly742fs (NM_001354810.2); c.1957_1966del, p.Ala653fs (NM_022965.4); short protein forms A766fs, A653fs, A765fs, G742fs, A767fs.
Identifiers: ClinVar variation 3660985 (VCV003660985.2).
Genomic context (GRCh38, chr4:1,807,130, plus strand): 5'-AAGAGGGGCTCGGTGGCACAGCGCTCACCCCGCCTCCCGCCAGCAGGAGTACCTGGACCT[GTCGGCGCCTT>G]TCGAGCAGTACTCCCCGGGTGGCCAGGACACCCCCAGCTCCAGCTCCTCAGGGGACGACT-3'